The following is an entry in ClinVar:

NM_000063.6(C2):c.262C>T (p.Arg88Cys)

Gene: C2 (complement C2; plus strand). Cytogenetic location: 6p21.33.
Variant type: single nucleotide variant.
Coding change: c.262C>T on transcript NM_000063.6 (MANE Select); coding-DNA position 262, C replaced by T.
Protein change: p.Arg88Cys; replaces arginine 88 with cysteine.
Molecular consequence: missense variant. On other transcripts: genic upstream transcript variant (2), intron variant (1).
Genome position (GRCh38, 1-based): chr6:31,928,737, C>T. VCF-style: chr6-31928737-C-T. GRCh37 (hg19) VCF-style: chr6-31896514-C-T.
Other names: c.175C>T, p.Arg59Cys (NM_001282458.2); c.262C>T, p.Arg88Cys (NM_001282459.2); c.-63-4873C>T (NM_001282457.2); c.74-4873C>T (NM_001178063.3); c.46+939C>T (NM_001145903.3); short protein forms R59C, R88C.
Identifiers: ClinVar variation 1363686 (VCV001363686.5), dbSNP rs140767210, ClinGen allele CA3727330.
Genomic context (GRCh38, chr6:31,928,737, plus strand): 5'-GCCCAGGTGTTATCCATCCAGTCCTATATTCCCCACCCACTTCCTCTCTCTCCAGCTGTG[C>T]GCTGTCCAGCCCCTGTCTCCTTTGAGAATGGCATTTATACCCCACGGCTGGGGTCCTATC-3'
Protein context (NP_000054.2, residues 78-98): SLSKAVCKPV[Arg88Cys]CPAPVSFENG

ClinVar aggregate classification (germline): Uncertain significance (1 of 4 stars; one submission).

Allele frequency attached by ClinVar (database versions not stated): gnomAD 0.00005; TOPMed 0.00005; ESP Exome Variant Server 0.00023.

Submission:

Labcorp Genetics (formerly Invitae), Labcorp
Classification: Uncertain significance. Last evaluated: 2021-08-26. Review status: criteria provided, single submitter. Criteria: Invitae Variant Classification Sherloc (09022015). Collection method: clinical testing. Allele origin: germline.
Comment: This sequence change replaces arginine with cysteine at codon 88 of the C2 protein (p.Arg88Cys). The arginine residue is highly conserved and there is a large physicochemical difference between arginine and cysteine. This variant is present in population databases (rs140767210, ExAC 0.03%). This variant has not been reported in the literature in individuals affected with C2-related conditions. Algorithms developed to predict the effect of missense changes on protein structure and function are either unavailable or do not agree on the potential impact of this missense change (SIFT: "Deleterious"; PolyPhen-2: "Possibly Damaging"; Align-GVGD: "Class C0"). In summary, the available evidence is currently insufficient to determine the role of this variant in disease. Therefore, it has been classified as a Variant of Uncertain Significance.